The following is an entry in ClinVar:

ClinVar aggregate classification (germline): Uncertain significance. Review status: criteria provided, multiple submitters, no conflicts (2 of 4 stars). 5 submissions from 5 submitters: Uncertain significance (4). 1 of the submissions does not count toward it. Last evaluated 2025-08-11.

Conditions:
Cardiovascular phenotype. Identifiers: MedGen CN230736.
LMNA-related disorder. Also called: LMNA-related condition; LMNA-related disease; LMNA-related disorders. Identifiers: MedGen CN380145.
Cardiomyopathy (CMYO). Also called: Cardiomyopathies. Identifiers: Orphanet 167848, MedGen C0878544, MONDO:0004994, HP:0001638. Inheritance: Various modes of inheritance.
Charcot-Marie-Tooth disease type 2. Also called: Charcot-Marie-Tooth type 2. Identifiers: Orphanet 64746, MedGen C0270914, MONDO:0018993.

gnomAD v4.1: 1 of 1,571,908 alleles (0.000064%); highest among the groups gnomAD compares: Non-Finnish European, 0.000086%; no homozygotes.

Submissions (5):

Color Diagnostics, LLC DBA Color Health
Classification: Uncertain significance for Cardiomyopathy. Last evaluated: 2025-08-11. Review status: criteria provided, single submitter. Criteria: ACMG Guidelines, 2015. Collection method: clinical testing. Allele origin: germline.
Comment: This missense variant replaces arginine with cysteine at codon 11 of the LMNA protein. Computational prediction is inconclusive regarding the impact of this variant on protein structure and function. To our knowledge, functional studies have not been reported for this variant. This variant has not been reported in individuals affected with LMNA-related disorders in the literature. This variant has been identified in 1/31368 chromosomes in the general population by the Genome Aggregation Database (gnomAD). The available evidence is insufficient to determine the role of this variant in disease conclusively. Therefore, this variant is classified as a Variant of Uncertain Significance.

GeneDx
Classification: Uncertain significance. Last evaluated: 2023-06-22. Review status: criteria provided, single submitter. Criteria: GeneDx Variant Classification Process June 2021. Collection method: clinical testing. Allele origin: germline. Affected: yes.
Comment: In silico analysis supports that this missense variant does not alter protein structure/function; Has not been previously published as pathogenic or benign to our knowledge; This variant is associated with the following publications: (PMID: 10939567)

Ambry Genetics
Classification: Uncertain significance for Cardiovascular phenotype. Last evaluated: 2023-06-14. Review status: criteria provided, single submitter. Criteria: Ambry Variant Classification Scheme 2023. Collection method: clinical testing. Allele origin: germline.
Comment: The p.R11C variant (also known as c.31C>T), located in coding exon 1 of the LMNA gene, results from a C to T substitution at nucleotide position 31. The arginine at codon 11 is replaced by cysteine, an amino acid with highly dissimilar properties. This amino acid position is well conserved in available vertebrate species. In addition, this alteration is predicted to be deleterious by in silico analysis. Since supporting evidence is limited at this time, the clinical significance of this alteration remains unclear.

Labcorp Genetics (formerly Invitae), Labcorp
Classification: Uncertain significance for Charcot-Marie-Tooth disease type 2. Last evaluated: 2023-05-22. Review status: criteria provided, single submitter. Criteria: Invitae Variant Classification Sherloc (09022015). Collection method: clinical testing. Allele origin: germline.
Comment: In summary, the available evidence is currently insufficient to determine the role of this variant in disease. Therefore, it has been classified as a Variant of Uncertain Significance. Advanced modeling of protein sequence and biophysical properties (such as structural, functional, and spatial information, amino acid conservation, physicochemical variation, residue mobility, and thermodynamic stability) performed at Invitae indicates that this missense variant is expected to disrupt LMNA protein function. This variant has not been reported in the literature in individuals affected with LMNA-related conditions. This variant is present in population databases (no rsID available, gnomAD 0.01%). This sequence change replaces arginine, which is basic and polar, with cysteine, which is neutral and slightly polar, at codon 11 of the LMNA protein (p.Arg11Cys).

PreventionGenetics, part of Exact Sciences
Classification: Uncertain significance for LMNA-related condition. Last evaluated: 2024-03-26. Review status: no assertion criteria provided. Collection method: clinical testing. Allele origin: germline. Not counted in ClinVar's aggregate classification.
Comment: The LMNA c.31C>T variant is predicted to result in the amino acid substitution p.Arg11Cys. To our knowledge, this variant has not been reported in the literature. This variant is reported in 0.011% of alleles in individuals of African descent in gnomAD. Although we suspect that this variant may be pathogenic, at this time, the clinical significance of this variant is uncertain due to the absence of conclusive functional and genetic evidence.

NM_170707.4(LMNA):c.31C>T (p.Arg11Cys)

Genes: LMNA (lamin A/C; plus strand), LOC129931597 (ATAC-STARR-seq lymphoblastoid silent region 1421; plus strand). Cytogenetic location: 1q22.
Variant type: single nucleotide variant.
Coding change: c.31C>T on transcript NM_170707.4 (MANE Select); coding-DNA position 31, C replaced by T.
Protein change: p.Arg11Cys; replaces arginine 11 with cysteine.
Molecular consequence: missense variant. On other transcripts: intron variant (2), 5 prime UTR variant (8).
Genome position (GRCh38, 1-based): chr1:156,114,949, C>T. VCF-style: chr1-156114949-C-T. GRCh37 (hg19) VCF-style: chr1-156084740-C-T.
Other names: c.31C>T, p.Arg11Cys (NM_170708.4, NM_001282625.2, NM_001282626.2 and 6 more transcripts); c.-203+8126C>T (NM_001406993.1, NM_001407003.1); c.-393C>T (NM_001406986.1); c.-371C>T (NM_001406990.1, NM_001406995.1, NM_001407002.1); c.-634C>T (NM_001406994.1, NM_001407000.1); c.-814C>T (NM_001406999.1); c.-477C>T (NM_001407001.1); c.31C>T (NM_170707.3); short protein forms R11C.
Identifiers: ClinVar variation 2567287 (VCV002567287.9), dbSNP rs755465323, ClinGen allele CA342806862.